The following is an entry in ClinVar:

ClinVar aggregate classification (germline): Likely pathogenic (1 of 4 stars; one submission).

Conditions:
Duchenne muscular dystrophy (DMD). Also called: MUSCULAR DYSTROPHY, PSEUDOHYPERTROPHIC PROGRESSIVE, DUCHENNE TYPE; Duchenne Muscular Dystrophy (DMD). Identifiers: Orphanet 98896, MedGen C0013264, MONDO:0010679, OMIM 310200.

Submission:

Labcorp Genetics (formerly Invitae), Labcorp
Classification: Likely pathogenic for Duchenne muscular dystrophy. Last evaluated: 2022-08-05. Review status: criteria provided, single submitter. Criteria: Invitae Variant Classification Sherloc (09022015). Collection method: clinical testing. Allele origin: unknown.
Comment: In summary, the currently available evidence indicates that the variant is pathogenic, but additional data are needed to prove that conclusively. Therefore, this variant has been classified as Likely Pathogenic. A similar copy number variant has been observed in individuals with Duchenne muscular dystrophy (PMID: 8034300, 16770791, 31139960). This variant results in a copy number gain of the genomic region encompassing exon(s) 3-25 of the DMD gene. While the exact position of this variant cannot be determined from the data, sub-genic copy number gains are generally in tandem (PMID: 25640679). This variant is predicted to be in-frame, and likely preserves the integrity of the reading frame.

Literature cited by the submitters: PubMed 8034300; PubMed 16770791; PubMed 31139960; PubMed 25640679.

NC_000023.10:g.(?_32481546)_(32867947_?)dup

Gene: DMD (dystrophin; minus strand). Cytogenetic location: Xp21.1.
Variant type: Duplication.
Identifiers: ClinVar variation 3242987 (VCV003242987.1).